The following is an entry in ClinVar:

ClinVar aggregate classification (germline): Uncertain significance (1 of 4 stars; one submission).

Conditions:
Frontotemporal dementia and/or amyotrophic lateral sclerosis 1 (FTDALS1). Also called: C9orf72 Frontotemporal Dementia and/or Amyotrophic Lateral Sclerosis; Frontotemporal dementia with motor neuron disease 1. Identifiers: Orphanet 275872, MedGen C5779877, MONDO:0007105, OMIM 105550.
Paget disease of bone 2, early-onset (PDB2). Also called: Paget disease of bone 2. Identifiers: MedGen C4085251, MONDO:0011183, OMIM 602080.

Allele frequency attached by ClinVar (database versions not stated): gnomAD 0.00001; TOPMed 0.00002; ExAC 0.00003; gnomAD exomes 0.00008.

Submission:

Labcorp Genetics (formerly Invitae), Labcorp
Classification: Uncertain significance for Paget disease of bone 2, early-onset; Frontotemporal dementia and/or amyotrophic lateral sclerosis 1. Last evaluated: 2024-10-10. Review status: criteria provided, single submitter. Criteria: Invitae Variant Classification Sherloc (09022015). Collection method: clinical testing. Allele origin: germline.
Comment: This sequence change replaces proline, which is neutral and non-polar, with threonine, which is neutral and polar, at codon 439 of the SQSTM1 protein (p.Pro439Thr). This variant is present in population databases (rs752910741, gnomAD 0.05%). This variant has not been reported in the literature in individuals affected with SQSTM1-related conditions. ClinVar contains an entry for this variant (Variation ID: 1396273). An algorithm developed to predict the effect of missense changes on protein structure and function (PolyPhen-2) suggests that this variant is likely to be tolerated. In summary, the available evidence is currently insufficient to determine the role of this variant in disease. Therefore, it has been classified as a Variant of Uncertain Significance.

NM_003900.5(SQSTM1):c.1315C>A (p.Pro439Thr)

Gene: SQSTM1 (sequestosome 1; plus strand). Cytogenetic location: 5q35.3.
Variant type: single nucleotide variant.
Coding change: c.1315C>A on transcript NM_003900.5 (MANE Select); coding-DNA position 1315, C replaced by A.
Protein change: p.Pro439Thr; replaces proline 439 with threonine.
Molecular consequence: missense variant.
Genome position (GRCh38, 1-based): chr5:179,836,585, C>A. VCF-style: chr5-179836585-C-A. GRCh37 (hg19) VCF-style: chr5-179263585-C-A.
Other names: c.1063C>A, p.Pro355Thr (NM_001142298.2, NM_001142299.2); short protein forms P355T, P439T.
Identifiers: ClinVar variation 1396273 (VCV001396273.8), dbSNP rs752910741, ClinGen allele CA3600889.
Genomic context (GRCh38, chr5:179,836,585, plus strand): 5'-ACCAAGAACTATGACATCGGAGCGGCTCTGGACACCATCCAGTATTCAAAGCATCCCCCG[C>A]CGTTGTGACCACTTTTGCCCACCTCTTCTGCGTGCCCCTCTTCTGTCTCATAGTTGTGTT-3'
Protein context (NP_003891.1, residues 429-440): DTIQYSKHPP[Pro439Thr]L